The following is an entry in ClinVar:

ClinVar aggregate classification (germline): Pathogenic (1 of 4 stars; one submission).

Conditions:
Polycystic kidney disease, adult type (PKD1). Also called: Polycystic Kidney Disease 1, Autosomal Dominant; Polycystic kidney disease 1; Polycystic kidney disease 1, severe; Polycystic Kidney, Autosomal Dominant; POLYCYSTIC KIDNEY DISEASE 1 WITH OR WITHOUT POLYCYSTIC LIVER DISEASE; POLYCYSTIC KIDNEY DISEASE, ADULT, TYPE I. Identifiers: MedGen C3149841, MONDO:0008263, OMIM 173900.

Submission:

Women's Health and Genetics/Laboratory Corporation of America, LabCorp
Classification: Pathogenic for Polycystic kidney disease, adult type. Last evaluated: 2025-05-01. Review status: criteria provided, single submitter. Criteria: LabCorp Variant Classification Summary - May 2015. Collection method: clinical testing. Allele origin: germline.
Comment: Variant summary: PKD1 c.12198C>A (p.Cys4066X) results in a premature termination codon, predicted to cause a truncation of the encoded protein or absence of the protein due to nonsense mediated decay, which are commonly known mechanisms for disease. The variant was absent in 240554 control chromosomes (gnomAD). c.12198C>A has been observed in individual(s) affected with Polycystic Kidney Disease 1 (e.g. Kim_2019). To our knowledge, no experimental evidence demonstrating an impact on protein function has been reported. The following publication have been ascertained in the context of this evaluation (PMID: 31740684). No submitters have cited clinical-significance assessments for this variant to ClinVar. Based on the evidence outlined above, the variant was classified as pathogenic.

Literature cited by the submitters: PubMed 31740684.

NM_001009944.3(PKD1):c.12198C>A (p.Cys4066Ter)

Gene: PKD1 (polycystin 1, transient receptor potential channel interacting; minus strand). Cytogenetic location: 16p13.3.
Variant type: single nucleotide variant.
Coding change: c.12198C>A on transcript NM_001009944.3 (MANE Select); coding-DNA position 12198, C replaced by A.
Protein change: p.Cys4066Ter; replaces cysteine 4066 with a stop codon.
Molecular consequence: nonsense.
Genome position (GRCh38, 1-based): chr16:2,090,531, G>T on the plus strand (C>A on the coding strand, the complement: PKD1 is on the minus strand). VCF-style: chr16-2090531-G-T. GRCh37 (hg19) VCF-style: chr16-2140532-G-T.
Other names: c.12195C>A, p.Cys4065Ter (NM_000296.4); short protein forms C4065*, C4066*.
Identifiers: ClinVar variation 3902603 (VCV003902603.1).